The following is an entry in ClinVar:

NM_003477.3(PDHX):c.108T>C (p.Ser36=)

Genes: PDHX (pyruvate dehydrogenase complex component X; plus strand), LOC130005549 (ATAC-STARR-seq lymphoblastoid active region 4608; plus strand). Cytogenetic location: 11p13.
Variant type: single nucleotide variant.
Coding change: c.108T>C on transcript NM_003477.3 (MANE Select); coding-DNA position 108, T replaced by C.
Protein change: p.Ser36=; no amino-acid change (serine 36 retained).
Molecular consequence: synonymous variant. On other transcripts: intron variant (1).
Genome position (GRCh38, 1-based): chr11:34,916,763, T>C. VCF-style: chr11-34916763-T-C. GRCh37 (hg19) VCF-style: chr11-34938310-T-C.
Other names: c.108T>C, p.Ser36= (NM_001166158.2); c.-21+277T>C (NM_001135024.2).
Identifiers: ClinVar variation 286348 (VCV000286348.21), dbSNP rs1049307, ClinGen allele CA5945736.

ClinVar aggregate classification (germline): Benign. Review status: criteria provided, multiple submitters, no conflicts (2 of 4 stars). 6 submissions from 6 submitters: Benign (5). 1 of the submissions does not count toward it. Last evaluated 2026-02-04.

Conditions:
Pyruvate dehydrogenase E3-binding protein deficiency (PDHXD). Also called: LACTIC ACIDEMIA DUE TO DEFECT IN LIPOYL-CONTAINING COMPONENT X OF THE PYRUVATE DEHYDROGENASE COMPLEX; E3-Binding Protein (Component X) Deficiency; Lacticacidemia due to PDX1 deficiency; PYRUVATE HYDROGENASE E3-BINDING PROTEIN DEFICIENCY. Identifiers: Orphanet 255182, MedGen C1855553, MONDO:0009503, OMIM 245349.

Allele frequency attached by ClinVar (database versions not stated): ESP Exome Variant Server 0.20503; gnomAD 0.19030 and 0.19592; 1000 Genomes Project 0.19269; TOPMed 0.19941; 1000 Genomes Project 30x 0.20081; ExAC 0.16770.

Submissions (6):

Labcorp Genetics (formerly Invitae), Labcorp
Classification: Benign. Last evaluated: 2026-02-04. Review status: criteria provided, single submitter. Criteria: Invitae Variant Classification Sherloc (09022015). Collection method: clinical testing. Allele origin: germline.

Illumina Laboratory Services, Illumina
Classification: Benign for Pyruvate dehydrogenase E3-binding protein deficiency. Last evaluated: 2018-01-12. Review status: criteria provided, single submitter. Criteria: ICSL Variant Classification Criteria 13 December 2019. Collection method: clinical testing. Allele origin: germline.
Comment: This variant was observed in the ICSL laboratory as part of a predisposition screen in an ostensibly healthy population. It had not been previously curated by ICSL or reported in the Human Gene Mutation Database (HGMD: prior to June 1st, 2018), and was therefore a candidate for classification through an automated scoring system. Utilizing variant allele frequency, disease prevalence and penetrance estimates, and inheritance mode, an automated score was calculated to assess if this variant is too frequent to cause the disease. Based on the score and internal cut-off values, a variant classified as benign is not then subjected to further curation. The score for this variant resulted in a classification of benign for this disease.

Eurofins Ntd Llc (ga)
Classification: Benign. Last evaluated: 2016-02-13. Review status: criteria provided, single submitter. Criteria: EGL Classification Definitions 2015. Collection method: clinical testing. Allele origin: germline. Observed: 2 variant alleles, 2 heterozygotes.

GeneDx
Classification: Benign. Last evaluated: 2015-03-03. Review status: criteria provided, single submitter. Criteria: GeneDx Variant Classification Process June 2021. Collection method: clinical testing. Allele origin: germline. Affected: yes.

Breakthrough Genomics
Classification: Benign. Review status: criteria provided, single submitter. Criteria: ACMG Guidelines, 2015. Collection method: not provided. Allele origin: germline. Inheritance: Autosomal recessive inheritance. Affected: yes.

Mayo Clinic Laboratories, Mayo Clinic
Classification: Benign. Last evaluated: 2016-02-23. Review status: no assertion criteria provided. Collection method: clinical testing. Allele origin: unknown. Not counted in ClinVar's aggregate classification.